The following is an entry in ClinVar:

NM_177972.3(TUB):c.202G>A (p.Ala68Thr)

Gene: TUB (TUB bipartite transcription factor; plus strand). Cytogenetic location: 11p15.4.
Variant type: single nucleotide variant.
Coding change: c.202G>A on transcript NM_177972.3 (MANE Select); coding-DNA position 202, G replaced by A.
Protein change: p.Ala68Thr; replaces alanine 68 with threonine.
Molecular consequence: missense variant.
Genome position (GRCh38, 1-based): chr11:8,090,180, G>A. VCF-style: chr11-8090180-G-A. GRCh37 (hg19) VCF-style: chr11-8111727-G-A.
Other names: c.367G>A, p.Ala123Thr (NM_003320.5); short protein forms A123T, A68T.
Identifiers: ClinVar variation 1385716 (VCV001385716.8), dbSNP rs1564917173, ClinGen allele CA379562995.

ClinVar aggregate classification (germline): Uncertain significance (1 of 4 stars; one submission).

Allele frequency attached by ClinVar (database versions not stated): gnomAD exomes below 0.00001 and 0.00001; TOPMed below 0.00001.
gnomAD v4.1: 4 of 1,613,746 alleles (0.00025%); highest among the groups gnomAD compares: Non-Finnish European, 0.00034%; no homozygotes.

Submission:

Labcorp Genetics (formerly Invitae), Labcorp
Classification: Uncertain significance. Last evaluated: 2021-04-08. Review status: criteria provided, single submitter. Criteria: Invitae Variant Classification Sherloc (09022015). Collection method: clinical testing. Allele origin: germline.
Comment: In summary, the available evidence is currently insufficient to determine the role of this variant in disease. Therefore, it has been classified as a Variant of Uncertain Significance. Algorithms developed to predict the effect of missense changes on protein structure and function are either unavailable or do not agree on the potential impact of this missense change (SIFT: "Tolerated"; PolyPhen-2: "Probably Damaging"; Align-GVGD: "Class C0"). This variant has not been reported in the literature in individuals with TUB-related conditions. This variant is not present in population databases (ExAC no frequency). This sequence change replaces alanine with threonine at codon 123 of the TUB protein (p.Ala123Thr). The alanine residue is moderately conserved and there is a small physicochemical difference between alanine and threonine.